The following is an entry in ClinVar:

NM_138295.5(PKD1L1):c.5361G>A (p.Leu1787=)

Gene: PKD1L1 (polycystin 1 like 1, transient receptor potential channel interacting; minus strand). Cytogenetic location: 7p12.3.
Variant type: single nucleotide variant.
Coding change: c.5361G>A on transcript NM_138295.5 (MANE Select); coding-DNA position 5361, G replaced by A.
Protein change: p.Leu1787=; no amino-acid change (leucine 1787 retained).
Molecular consequence: synonymous variant.
Genome position (GRCh38, 1-based): chr7:47,843,046, C>T on the plus strand (G>A on the coding strand, the complement: PKD1L1 is on the minus strand). VCF-style: chr7-47843046-C-T. GRCh37 (hg19) VCF-style: chr7-47882644-C-T.
Identifiers: ClinVar variation 4997425 (VCV004997425.1).

ClinVar aggregate classification (germline): Likely benign (1 of 4 stars; one submission).

Conditions:
PKD1L1-related disorder. Also called: PKD1L1-related condition.

gnomAD v4.1: 1 of 1,613,984 alleles (0.000062%); highest among the groups gnomAD compares: Non-Finnish European, 0.000085%; no homozygotes.

Submission:

PreventionGenetics, part of Exact Sciences
Classification: Likely benign for PKD1L1-related condition. Last evaluated: 2024-10-11. Review status: criteria provided, single submitter. Criteria: ACMG Guidelines, 2015. Collection method: clinical testing. Allele origin: germline.
Comment: This variant is classified as likely benign based on ACMG/AMP sequence variant interpretation guidelines (Richards et al. 2015 PMID: 25741868, with internal and published modifications).